The following is an entry in ClinVar:

NM_152564.5(VPS13B):c.11884C>T (p.Pro3962Ser)

Gene: VPS13B (vacuolar protein sorting 13 homolog B; plus strand). Cytogenetic location: 8q22.2.
Variant type: single nucleotide variant.
Coding change: c.11884C>T on transcript NM_152564.5 (MANE Select); coding-DNA position 11884, C replaced by T.
Protein change: p.Pro3962Ser; replaces proline 3962 with serine.
Molecular consequence: missense variant.
Genome position (GRCh38, 1-based): chr8:99,875,556, C>T. VCF-style: chr8-99875556-C-T. GRCh37 (hg19) VCF-style: chr8-100887784-C-T.
Other names: c.11959C>T, p.Pro3987Ser (NM_017890.5); short protein forms P3962S, P3987S.
Identifiers: ClinVar variation 1302474 (VCV001302474.2), dbSNP rs201483764, ClinGen allele CA371795879.
Genomic context (GRCh38, chr8:99,875,556, plus strand): 5'-CTGGCCCCCAGCTGTTCTTCCATGCAAATACCATGCCCTGTGGTGGCTGCAGAACCTCCC[C>T]CCTCCACTGTTAAAACATACCATTACCTGGTTGATCCACATTTTGCTCAGGTCTTCCTTA-3'
Protein context (NP_689777.3, residues 3952-3972): PCPVVAAEPP[Pro3962Ser]STVKTYHYLV

ClinVar aggregate classification (germline): Uncertain significance (1 of 4 stars; one submission).

gnomAD v4.1: 1 of 1,614,154 alleles (0.000062%); highest among the groups gnomAD compares: Non-Finnish European, 0.000085%; no homozygotes.

Submission:

GeneDx
Classification: Uncertain significance. Last evaluated: 2019-06-13. Review status: criteria provided, single submitter. Criteria: GeneDx Variant Classification Process June 2021. Collection method: clinical testing. Allele origin: germline. Affected: yes.
Comment: Not observed in large population cohorts (Lek et al., 2016); In silico analysis, which includes protein predictors and evolutionary conservation, supports that this variant does not alter protein structure/function; Has not been previously published as pathogenic or benign to our knowledge